The following is an entry in ClinVar:

NM_003872.3(NRP2):c.962A>G (p.Asn321Ser)

Gene: NRP2 (neuropilin 2; plus strand). Cytogenetic location: 2q33.3.
Variant type: single nucleotide variant.
Coding change: c.962A>G on transcript NM_003872.3 (MANE Select); coding-DNA position 962, A replaced by G.
Protein change: p.Asn321Ser; replaces asparagine 321 with serine.
Molecular consequence: missense variant.
Genome position (GRCh38, 1-based): chr2:205,726,054, A>G. VCF-style: chr2-205726054-A-G. GRCh37 (hg19) VCF-style: chr2-206590778-A-G.
Other names: c.962A>G, p.Asn321Ser (NM_018534.4, NM_201264.2, NM_201266.2 and 2 more transcripts); short protein forms N321S.
Identifiers: ClinVar variation 4979077 (VCV004979077.1).
Genomic context (GRCh38, chr2:205,726,054, plus strand): 5'-ATGGGAGGTGGACCCCTCAACAAAGCCGGCTCCATGGTGATGACAATGGCTGGACCCCCA[A>G]CTTGGATTCCAACAAGGAGTATCTCCAGGTACTTGTGCAGATACCAGAGGATGTGAGAGT-3'
Protein context (NP_003863.2, residues 311-331): LHGDDNGWTP[Asn321Ser]LDSNKEYLQV

ClinVar aggregate classification (germline): Uncertain significance (1 of 4 stars; one submission).

Conditions:
NRP2-related disorder. Also called: NRP2-related condition.

gnomAD v4.1: 5 of 1,614,180 alleles (0.00031%); highest among the groups gnomAD compares: Admixed American, 0.0017%; no homozygotes.

Submission:

PreventionGenetics, part of Exact Sciences
Classification: Uncertain significance for NRP2-related condition. Last evaluated: 2025-05-08. Review status: criteria provided, single submitter. Criteria: ACMG Guidelines, 2015. Collection method: clinical testing. Allele origin: germline.
Comment: The NRP2 c.962A>G variant is predicted to result in the amino acid substitution p.Asn321Ser. To our knowledge, this variant has not been reported in the literature. This variant is reported in 0.0062% of alleles in individuals of African descent in gnomAD. At this time, the clinical significance of this variant is uncertain due to the absence of conclusive functional and genetic evidence.